The following is an entry in ClinVar:

NM_001308093.3(GATA4):c.1100C>G (p.Thr367Arg)

Gene: GATA4 (GATA binding protein 4). Cytogenetic location: 8p23.1.
Variant type: single nucleotide variant.
Coding change: c.1100C>G on transcript NM_001308093.3 (MANE Select); coding-DNA position 1100, C replaced by G.
Protein change: p.Thr367Arg; replaces threonine 367 with arginine.
Molecular consequence: missense variant.
Genome position (GRCh38, 1-based): chr8:11,757,034, C>G. VCF-style: chr8-11757034-C-G. GRCh37 (hg19) VCF-style: chr8-11614543-C-G.
Other names: c.479C>G, p.Thr160Arg (NM_001308094.2, NM_001374273.1); c.353C>G, p.Thr118Arg (NM_001374274.1); c.1097C>G, p.Thr366Arg (NM_002052.5); short protein forms T366R, T367R, T118R, T160R.
Identifiers: ClinVar variation 1946109 (VCV001946109.5), dbSNP rs781198110, ClinGen allele CA370315416.

ClinVar aggregate classification (germline): Uncertain significance (1 of 4 stars; one submission).

Conditions:
Atrioventricular septal defect 4 (AVSD4). Identifiers: MedGen C3280781, MONDO:0013747, OMIM 614430.

gnomAD v4.1: 3 of 1,614,204 alleles (0.00019%); highest among the groups gnomAD compares: Non-Finnish European, 0.00025%; no homozygotes.

Submission:

Labcorp Genetics (formerly Invitae), Labcorp
Classification: Uncertain significance for Atrioventricular septal defect 4. Last evaluated: 2024-06-13. Review status: criteria provided, single submitter. Criteria: Invitae Variant Classification Sherloc (09022015). Collection method: clinical testing. Allele origin: germline.
Comment: This sequence change replaces threonine, which is neutral and polar, with arginine, which is basic and polar, at codon 366 of the GATA4 protein (p.Thr366Arg). This variant is not present in population databases (gnomAD no frequency). This variant has not been reported in the literature in individuals affected with GATA4-related conditions. ClinVar contains an entry for this variant (Variation ID: 1946109). Advanced modeling of protein sequence and biophysical properties (such as structural, functional, and spatial information, amino acid conservation, physicochemical variation, residue mobility, and thermodynamic stability) performed at Invitae indicates that this missense variant is not expected to disrupt GATA4 protein function with a negative predictive value of 80%. In summary, the available evidence is currently insufficient to determine the role of this variant in disease. Therefore, it has been classified as a Variant of Uncertain Significance.